The following is an entry in ClinVar:

ClinVar aggregate classification (germline): Likely pathogenic (1 of 4 stars; one submission).

Conditions:
Propionic acidemia (PROP). Also called: GLYCINEMIA, KETOTIC; HYPERGLYCINEMIA WITH KETOACIDOSIS AND LEUKOPENIA; KETOTIC HYPERGLYCINEMIA. Identifiers: Orphanet 35, MedGen C0268579, MONDO:0011628, OMIM 606054, HP:0003571.

gnomAD v4.1: 1 of 1,613,666 alleles (0.000062%); highest among the groups gnomAD compares: Non-Finnish European, 0.000085%; no homozygotes.

Submission:

Juno Genomics, Hangzhou Juno Genomics, Inc
Classification: Likely pathogenic for Propionic acidemia. Review status: criteria provided, single submitter. Criteria: ACMG Guidelines, 2015. Collection method: clinical testing. Allele origin: germline.
Comment: Absent from controls (or at extremely low frequency if recessive) in Genome Aggregation Database.;Novel missense change at an amino acid residue where a different missense change determined to be pathogenic has been seen before.;Multiple lines of computational evidence support a deleterious effect on the gene or gene product.

NM_000532.5(PCCB):c.946A>C (p.Met316Leu)

Gene: PCCB (propionyl-CoA carboxylase subunit beta; plus strand). Cytogenetic location: 3q22.3.
Variant type: single nucleotide variant.
Coding change: c.946A>C on transcript NM_000532.5 (MANE Select); coding-DNA position 946, A replaced by C.
Protein change: p.Met316Leu; replaces methionine 316 with leucine.
Molecular consequence: missense variant.
Genome position (GRCh38, 1-based): chr3:136,301,091, A>C. VCF-style: chr3-136301091-A-C. GRCh37 (hg19) VCF-style: chr3-136019933-A-C.
Other names: c.1006A>C, p.Met336Leu (NM_001178014.2); short protein forms M336L, M316L.
Identifiers: ClinVar variation 5006547 (VCV005006547.2).
Genomic context (GRCh38, chr3:136,301,091, plus strand): 5'-GACCGTCTGGTTCCTGAGCTTGACACAATTGTCCCTTTGGAATCAACCAAAGCCTACAAC[A>C]TGGTGGACATCATACACTCTGTAAGTGCCACATCTGTTTGTCTTGCCTGTCCTAGTCAGC-3'
Protein context (NP_000523.2, residues 306-326): VPLESTKAYN[Met316Leu]VDIIHSVVDE